The following is an entry in ClinVar:

ClinVar aggregate classification (germline): Pathogenic (0 of 4 stars; one submission).

Conditions:
Telangiectasia, hereditary hemorrhagic, type 1 (HHT1). Also called: Osler Weber Rendu syndrome type 1; ENG-Related Hereditary Hemorrhagic Telangiectasia. Identifiers: Orphanet 774, MedGen C4551861, MONDO:0008535, OMIM 187300. Disease mechanism: loss of function.

Submission:

Petrovsky National Research Centre of Surgery, The Federal Agency for Scientific Organizations
Classification: Pathogenic for Telangiectasia, hereditary hemorrhagic, type 1. Last evaluated: 2024-12-16. Review status: no assertion criteria provided. Collection method: literature only. Allele origin: germline. Inheritance: Autosomal dominant inheritance. Affected: yes. Observed: 1 heterozygote.
Comment: In this study mutation analysis of additional family members was performed and haplotype analysis carried out. Therefore, it has been classified as Pathogenic.

Literature cited by the submitters: PubMed 23046070.

NM_001114753.3(ENG):c.817-3T>G

Gene: ENG (endoglin; minus strand). Cytogenetic location: 9q34.11.
Variant type: single nucleotide variant.
Coding change: c.817-3T>G on transcript NM_001114753.3 (MANE Select); 3 bases into the intron before coding-DNA position 817, T replaced by G.
Molecular consequence: intron variant.
Genome position (GRCh38, 1-based): chr9:127,824,977, A>C on the plus strand (T>G on the coding strand, the complement: ENG is on the minus strand). VCF-style: chr9-127824977-A-C. GRCh37 (hg19) VCF-style: chr9-130587256-A-C.
Other names: c.817-3T>G (NM_000118.4, NM_001406715.1); c.271-3T>G (NM_001278138.2).
Identifiers: ClinVar variation 3891317 (VCV003891317.1).
Genomic context (GRCh38, chr9:127,824,977, plus strand): 5'-GCTTGAAGCCACGAATGTTTTTCTCTGGAAAGATCTTGAAGGAGTATTCTCCAGTGGTCT[A>C]ATGGTGGGGAGAGAGGCAGAACAGGGGGCCATGGACACAGTCTGTGCCACAGCAGGCCAG-3'